The following is an entry in ClinVar:

NM_032043.3(BRIP1):c.2580T>C (p.Leu860=)

Gene: BRIP1 (BRCA1 interacting DNA helicase 1; minus strand). Cytogenetic location: 17q23.2.
Variant type: single nucleotide variant.
Coding change: c.2580T>C on transcript NM_032043.3 (MANE Select); coding-DNA position 2580, T replaced by C.
Protein change: p.Leu860=; no amino-acid change (leucine 860 retained).
Molecular consequence: synonymous variant.
Genome position (GRCh38, 1-based): chr17:61,686,161, A>G on the plus strand (T>C on the coding strand, the complement: BRIP1 is on the minus strand). VCF-style: chr17-61686161-A-G. GRCh37 (hg19) VCF-style: chr17-59763522-A-G.
Identifiers: ClinVar variation 751420 (VCV000751420.11), dbSNP rs1603277017, ClinGen allele CA501143974.

ClinVar aggregate classification (germline): Benign/Likely benign. Review status: criteria provided, multiple submitters, no conflicts (2 of 4 stars). 3 submissions from 3 submitters: Benign (1); Likely benign (2). Last evaluated 2026-02-24.

Conditions:
Familial cancer of breast. Also called: hereditary breast carcinoma; Hereditary breast cancer; BREAST CANCER, FAMILIAL. Identifiers: Orphanet 227535, MedGen C0346153, MONDO:0016419, OMIM 114480. Disease mechanism: loss of function.
Fanconi anemia complementation group J. Also called: BRIP1-Related Fanconi Anemia. Identifiers: Orphanet 84, MedGen C1836860, MONDO:0012187, OMIM 609054.
Hereditary cancer-predisposing syndrome. Also called: Tumor predisposition; Neoplastic Syndromes, Hereditary; Hereditary Cancer Syndrome; Hereditary neoplastic syndrome. Identifiers: Orphanet 140162, MedGen C0027672, MeSH D009386, MONDO:0015356.

Allele frequency attached by ClinVar (database versions not stated): gnomAD exomes below 0.00001.
gnomAD v4.1: 3 of 1,614,068 alleles (0.00019%); highest among the groups gnomAD compares: Non-Finnish European, 0.00025%; no homozygotes.

Submissions (3):

Ambry Genetics
Classification: Likely benign for Hereditary cancer-predisposing syndrome. Last evaluated: 2026-02-24. Review status: criteria provided, single submitter. Criteria: Ambry Variant Classification Scheme 2023. Collection method: clinical testing. Allele origin: germline.

Labcorp Genetics (formerly Invitae), Labcorp
Classification: Likely benign for Familial cancer of breast; Fanconi anemia complementation group J. Last evaluated: 2025-08-07. Review status: criteria provided, single submitter. Criteria: Invitae Variant Classification Sherloc (09022015). Collection method: clinical testing. Allele origin: germline.

Myriad Genetics, Inc.
Classification: Benign for Familial cancer of breast. Last evaluated: 2024-09-05. Review status: criteria provided, single submitter. Criteria: Myriad Autosomal Dominant, Autosomal Recessive and X-Linked Classification Criteria (2023). Collection method: clinical testing. Allele origin: unknown.
Comment: This variant is considered benign. This variant is a silent/synonymous amino acid change and it is not expected to impact splicing.